The following is an entry in ClinVar:

NM_001368067.1(LDB3):c.393C>T (p.Ala131=)

Genes: LDB3 (LIM domain binding 3; plus strand), LOC110121486 (VISTA enhancer hs2143; plus strand). Cytogenetic location: 10q23.2.
Variant type: single nucleotide variant.
Coding change: c.393C>T on transcript NM_001368067.1 (MANE Plus Clinical); coding-DNA position 393, C replaced by T.
Protein change: p.Ala131=; no amino-acid change (alanine 131 retained).
Molecular consequence: synonymous variant. On other transcripts: intron variant (5).
Genome position (GRCh38, 1-based): chr10:86,687,117, C>T. VCF-style: chr10-86687117-C-T. GRCh37 (hg19) VCF-style: chr10-88446874-C-T.
Other names: c.393C>T (NM_001080114.1); c.393C>T, p.Ala131= (NM_001080114.2, NM_001080116.1, NM_001368066.1 and 1 more transcripts); c.738C>T, p.Ala246= (NM_001171610.2, NM_001171611.2); c.690-4779C>T (NM_001368064.1, NM_001368063.1, NM_007078.3 and 2 more transcripts).
Identifiers: ClinVar variation 1110795 (VCV001110795.12), dbSNP rs368832031, ClinGen allele CA5584812.

ClinVar aggregate classification (germline): Likely benign. Review status: criteria provided, multiple submitters, no conflicts (2 of 4 stars). 3 submissions from 3 submitters: Likely benign (2). 1 of the submissions does not count toward it. Last evaluated 2026-01-08.

Conditions:
Myofibrillar myopathy 4. Also called: Zaspopathy (type). Identifiers: Orphanet 98912, MedGen C4721886, MONDO:0012277, OMIM 609452.
LDB3-related disorder. Also called: LDB3-related condition.

Allele frequency attached by ClinVar (database versions not stated): ExAC 0.00002; gnomAD exomes 0.00004 and 0.00005; ESP Exome Variant Server 0.00008; gnomAD 0.00012 and 0.00013; TOPMed 0.00014.
gnomAD v4.1: 83 of 1,614,086 alleles (0.0051%); highest among the groups gnomAD compares: Admixed American, 0.032%; no homozygotes.

Submissions (3):

Labcorp Genetics (formerly Invitae), Labcorp
Classification: Likely benign for Myofibrillar myopathy 4. Last evaluated: 2026-01-08. Review status: criteria provided, single submitter. Criteria: Invitae Variant Classification Sherloc (09022015). Collection method: clinical testing. Allele origin: germline.

GeneDx
Classification: Likely benign. Last evaluated: 2021-05-13. Review status: criteria provided, single submitter. Criteria: GeneDx Variant Classification Process June 2021. Collection method: clinical testing. Allele origin: germline. Affected: yes.

PreventionGenetics, part of Exact Sciences
Classification: Likely benign for LDB3-related condition. Last evaluated: 2019-05-07. Review status: no assertion criteria provided. Collection method: clinical testing. Allele origin: germline. Not counted in ClinVar's aggregate classification.
Comment: This variant is classified as likely benign based on ACMG/AMP sequence variant interpretation guidelines (Richards et al. 2015 PMID: 25741868, with internal and published modifications).